The following is an entry in ClinVar:

ClinVar aggregate classification (germline): Uncertain significance (1 of 4 stars; one submission).

gnomAD v4.1: 3 of 1,209,328 alleles (0.00025%); highest among the groups gnomAD compares: African/African-American, 0.0035%; no homozygotes.

Submission:

Greenwood Genetic Center Diagnostic Laboratories, Greenwood Genetic Center
Classification: Uncertain significance. Last evaluated: 2024-05-21. Review status: criteria provided, single submitter. Criteria: ACMG Guidelines, 2015. Collection method: clinical testing. Allele origin: germline. Affected: yes.
Comment: PM2, BP4, PP2

NM_004187.5(KDM5C):c.425A>G (p.Asn142Ser)

Gene: KDM5C (lysine demethylase 5C; minus strand). Cytogenetic location: Xp11.22.
Variant type: single nucleotide variant.
Coding change: c.425A>G on transcript NM_004187.5 (MANE Select); coding-DNA position 425, A replaced by G.
Protein change: p.Asn142Ser; replaces asparagine 142 with serine.
Molecular consequence: missense variant. On other transcripts: non-coding transcript variant (3).
Genome position (GRCh38, 1-based): chrX:53,217,893, T>C on the plus strand (A>G on the coding strand, the complement: KDM5C is on the minus strand). VCF-style: chrX-53217893-T-C. GRCh37 (hg19) VCF-style: chrX-53247075-T-C.
Other names: c.224A>G, p.Asn75Ser (NM_001146702.2); c.425A>G, p.Asn142Ser (NM_001282622.3, NM_001353978.3, NM_001353979.2 and 3 more transcripts); short protein forms N142S, N75S.
Identifiers: ClinVar variation 3338513 (VCV003338513.1).